The following is an entry in ClinVar:

NM_001258374.3(EPS15L1):c.1379G>A (p.Arg460Gln)

Gene: EPS15L1 (epidermal growth factor receptor pathway substrate 15 like 1; minus strand). Cytogenetic location: 19p13.11.
Variant type: single nucleotide variant.
Coding change: c.1379G>A on transcript NM_001258374.3 (MANE Select); coding-DNA position 1379, G replaced by A.
Protein change: p.Arg460Gln; replaces arginine 460 with glutamine.
Molecular consequence: missense variant. On other transcripts: non-coding transcript variant (2).
Genome position (GRCh38, 1-based): chr19:16,404,637, C>T on the plus strand (G>A on the coding strand, the complement: EPS15L1 is on the minus strand). VCF-style: chr19-16404637-C-T. GRCh37 (hg19) VCF-style: chr19-16515448-C-T.
Other names: c.1379G>A, p.Arg460Gln (NM_001258375.2, NM_001258376.2, NM_021235.3); short protein forms R460Q.
Identifiers: ClinVar variation 2409257 (VCV002409257.23), dbSNP rs139234501, ClinGen allele CA9277661.

ClinVar aggregate classification (germline): Conflicting classifications of pathogenicity. Review status: criteria provided, conflicting classifications (1 of 4 stars). 2 submissions from 2 submitters: Uncertain significance (1); Likely benign (1). Last evaluated 2025-09-26.

Allele frequency attached by ClinVar (database versions not stated): gnomAD 0.00001; gnomAD exomes 0.00003; TOPMed 0.00003; ExAC 0.00005; ESP Exome Variant Server 0.00008.
gnomAD v4.1: 56 of 1,614,036 alleles (0.0035%); highest among the groups gnomAD compares: Middle Eastern, 0.049%; no homozygotes.

Submissions (2):

Ambry Genetics
Classification: Uncertain significance. Last evaluated: 2025-09-26. Review status: criteria provided, single submitter. Criteria: Ambry Variant Classification Scheme 2023. Collection method: clinical testing. Allele origin: germline.

CeGaT Center for Human Genetics Tuebingen
Classification: Likely benign. Last evaluated: 2024-03-01. Review status: criteria provided, single submitter. Criteria: CeGaT Center For Human Genetics Tuebingen Variant Classification Criteria Version 2. Collection method: clinical testing. Allele origin: germline. Affected: yes. Observed: 1 variant allele.
Comment: EPS15L1: BP4